The following is an entry in ClinVar:

ClinVar aggregate classification (germline): Likely benign (1 of 4 stars; one submission).

Submission:

CeGaT Center for Human Genetics Tuebingen
Classification: Likely benign. Last evaluated: 2025-05-01. Review status: criteria provided, single submitter. Criteria: CeGaT Center For Human Genetics Tuebingen Variant Classification Criteria Version 2. Collection method: clinical testing. Allele origin: germline. Affected: yes. Observed: 1 variant allele.
Comment: MUC16: BP4

NM_001401501.2(MUC16):c.43340C>A (p.Thr14447Asn)

Gene: MUC16 (mucin 16, cell surface associated; minus strand). Cytogenetic location: 19p13.2.
Variant type: single nucleotide variant.
Coding change: c.43340C>A on transcript NM_001401501.2 (MANE Select); coding-DNA position 43340, C replaced by A.
Protein change: p.Thr14447Asn; replaces threonine 14447 with asparagine.
Molecular consequence: missense variant.
Genome position (GRCh38, 1-based): chr19:8,888,354, G>T on the plus strand (C>A on the coding strand, the complement: MUC16 is on the minus strand). VCF-style: chr19-8888354-G-T. GRCh37 (hg19) VCF-style: chr19-8999030-G-T.
Other names: c.43220C>A, p.Thr14407Asn (NM_001414687.1); c.40814C>A, p.Thr13605Asn (NM_024690.2); c.43766C>A, p.Thr14589Asn (NM_001414686.1); short protein forms T13605N, T14407N, T14447N, T14589N.
Identifiers: ClinVar variation 3904964 (VCV003904964.10).